The following is an entry in ClinVar:

ClinVar aggregate classification (germline): Uncertain significance. Review status: criteria provided, multiple submitters, no conflicts (2 of 4 stars). 2 submissions from 2 submitters: Uncertain significance (2). Last evaluated 2025-05-06.

Conditions:
Short-rib thoracic dysplasia 10 with or without polydactyly (SRTD10). Identifiers: Orphanet 474, MedGen C3810175, MONDO:0014284, OMIM 615630.
Retinitis pigmentosa 71 (RP71). Identifiers: Orphanet 791, MedGen C4225342, MONDO:0014618, OMIM 616394.
Inborn genetic diseases. Identifiers: MedGen C0950123, MeSH D030342.

Allele frequency attached by ClinVar (database versions not stated): gnomAD exomes 0.00001.
gnomAD v4.1: 14 of 1,614,096 alleles (0.00087%); highest among the groups gnomAD compares: Non-Finnish European, 0.001%; no homozygotes.

Submissions (2):

Ambry Genetics
Classification: Uncertain significance for Inborn genetic diseases. Last evaluated: 2025-05-06. Review status: criteria provided, single submitter. Criteria: Ambry Variant Classification Scheme 2023. Collection method: clinical testing. Allele origin: germline.

Labcorp Genetics (formerly Invitae), Labcorp
Classification: Uncertain significance for Retinitis pigmentosa 71; Short-rib thoracic dysplasia 10 with or without polydactyly. Last evaluated: 2024-09-06. Review status: criteria provided, single submitter. Criteria: Invitae Variant Classification Sherloc (09022015). Collection method: clinical testing. Allele origin: germline.
Comment: This sequence change replaces valine, which is neutral and non-polar, with isoleucine, which is neutral and non-polar, at codon 684 of the IFT172 protein (p.Val684Ile). This variant is present in population databases (no rsID available, gnomAD 0.002%). This variant has not been reported in the literature in individuals affected with IFT172-related conditions. ClinVar contains an entry for this variant (Variation ID: 953982). Invitae Evidence Modeling of protein sequence and biophysical properties (such as structural, functional, and spatial information, amino acid conservation, physicochemical variation, residue mobility, and thermodynamic stability) indicates that this missense variant is not expected to disrupt IFT172 protein function with a negative predictive value of 80%. In summary, the available evidence is currently insufficient to determine the role of this variant in disease. Therefore, it has been classified as a Variant of Uncertain Significance.

NM_015662.3(IFT172):c.2050G>A (p.Val684Ile)

Gene: IFT172 (intraflagellar transport 172; minus strand). Cytogenetic location: 2p23.3.
Variant type: single nucleotide variant.
Coding change: c.2050G>A on transcript NM_015662.3 (MANE Select); coding-DNA position 2050, G replaced by A.
Protein change: p.Val684Ile; replaces valine 684 with isoleucine.
Molecular consequence: missense variant.
Genome position (GRCh38, 1-based): chr2:27,462,766, C>T on the plus strand (G>A on the coding strand, the complement: IFT172 is on the minus strand). VCF-style: chr2-27462766-C-T. GRCh37 (hg19) VCF-style: chr2-27685633-C-T.
Other names: c.2050G>A (NM_015662.1); short protein forms V684I.
Identifiers: ClinVar variation 953982 (VCV000953982.9), dbSNP rs1400020833, ClinGen allele CA346385159.